The following is an entry in ClinVar:

ClinVar aggregate classification (germline): Conflicting classifications of pathogenicity. Review status: criteria provided, conflicting classifications (1 of 4 stars). 5 submissions from 4 submitters: Uncertain significance (4); Benign (1). Last evaluated 2025-12-26.

Conditions:
Adams-Oliver syndrome 5 (AOS5). Identifiers: Orphanet 974, MedGen C4014970, MONDO:0014459, OMIM 616028.
Aortic valve disease 1 (AOVD1). Identifiers: MedGen C3887892, MONDO:0024523, OMIM 109730.
Familial thoracic aortic aneurysm and aortic dissection (TAAD). Also called: Thoracic aortic aneurysms and dissections. Identifiers: Orphanet 91387, MedGen C4707243, MONDO:0019625.

Allele frequency attached by ClinVar (database versions not stated): TOPMed 0.00002.
gnomAD v4.1: 41 of 1,558,146 alleles (0.0026%); highest among the groups gnomAD compares: Middle Eastern, 0.017%; no homozygotes.

Submissions (5):

Labcorp Genetics (formerly Invitae), Labcorp
Classification: Benign for Adams-Oliver syndrome 5. Last evaluated: 2025-12-26. Review status: criteria provided, single submitter. Criteria: Invitae Variant Classification Sherloc (09022015). Collection method: clinical testing. Allele origin: germline.

Ambry Genetics
Classification: Uncertain significance for Familial thoracic aortic aneurysm and aortic dissection. Last evaluated: 2024-01-27. Review status: criteria provided, single submitter. Criteria: Ambry Variant Classification Scheme 2023. Collection method: clinical testing. Allele origin: germline.
Comment: The p.R207H variant (also known as c.620G>A), located in coding exon 4 of the NOTCH1 gene, results from a G to A substitution at nucleotide position 620. The arginine at codon 207 is replaced by histidine, an amino acid with highly similar properties. This amino acid position is conserved. In addition, this alteration is predicted to be tolerated by in silico analysis. Based on the available evidence, the clinical significance of this alteration remains unclear.

GeneDx
Classification: Uncertain significance. Last evaluated: 2023-08-31. Review status: criteria provided, single submitter. Criteria: GeneDx Variant Classification Process June 2021. Collection method: clinical testing. Allele origin: germline. Affected: yes.
Comment: Has not been previously published as pathogenic or benign to our knowledge; Not observed at significant frequency in large population cohorts (gnomAD); In silico analysis supports that this missense variant does not alter protein structure/function

Genome-Nilou Lab
Classification: Uncertain significance for Adams-Oliver syndrome 5. Last evaluated: 2022-03-15. Review status: criteria provided, single submitter. Criteria: ACMG Guidelines, 2015. Collection method: clinical testing. Allele origin: germline. Affected: no.

Genome-Nilou Lab
Classification: Uncertain significance for Aortic valve disease 1. Last evaluated: 2022-03-15. Review status: criteria provided, single submitter. Criteria: ACMG Guidelines, 2015. Collection method: clinical testing. Allele origin: germline. Affected: no.

NM_017617.5(NOTCH1):c.620G>A (p.Arg207His)

Gene: NOTCH1 (notch receptor 1; minus strand). Cytogenetic location: 9q34.3.
Variant type: single nucleotide variant.
Coding change: c.620G>A on transcript NM_017617.5 (MANE Select); coding-DNA position 620, G replaced by A.
Protein change: p.Arg207His; replaces arginine 207 with histidine.
Molecular consequence: missense variant.
Genome position (GRCh38, 1-based): chr9:136,522,972, C>T on the plus strand (G>A on the coding strand, the complement: NOTCH1 is on the minus strand). VCF-style: chr9-136522972-C-T. GRCh37 (hg19) VCF-style: chr9-139417424-C-T.
Other names: short protein forms R207H.
Identifiers: ClinVar variation 952774 (VCV000952774.18), dbSNP rs779118023, ClinGen allele CA375569812.
Genomic context (GRCh38, chr9:136,522,972, plus strand): 5'-CAGGGCGAGGGGCTGCAGGGCACGTAGGGCCGCTCGCAGTTGGGGCCAGTGTGGGTGGCG[C>T]GGCAGACGCAGCGGTAGGAGCCGACCTCGTTGTGGCAGGTGCCTCCGTGGCGGCAAAGCC-3'
Protein context (NP_060087.3, residues 197-217): NEVGSYRCVC[Arg207His]ATHTGPNCER